The following is an entry in ClinVar:

ClinVar aggregate classification (germline): Conflicting classifications of pathogenicity. Review status: criteria provided, conflicting classifications (1 of 4 stars). 3 submissions from 3 submitters: Uncertain significance (2); Benign (1). Last evaluated 2023-02-01.

Conditions:
Majeed syndrome (MJDS). Also called: CHRONIC RECURRENT MULTIFOCAL OSTEOMYELITIS 1, WITH CONGENITAL DYSERYTHROPOIETIC ANEMIA, WITH OR WITHOUT NEUTROPHILIC DERMATOSIS; LPIN2-Related Majeed Syndrome. Identifiers: Orphanet 77297, MedGen C1864997, MONDO:0012316, OMIM 609628.

Allele frequency attached by ClinVar (database versions not stated): 1000 Genomes Project 0.00379; 1000 Genomes Project 30x 0.00390; gnomAD 0.00855 and 0.00868; TOPMed 0.00935; gnomAD exomes 0.00964.
gnomAD v4.1: 2,103 of 232,932 alleles (0.9%); highest among the groups gnomAD compares: Middle Eastern, 2.7%; 17 homozygotes.

Submissions (3):

CeGaT Center for Human Genetics Tuebingen
Classification: Benign. Last evaluated: 2023-02-01. Review status: criteria provided, single submitter. Criteria: CeGaT Center For Human Genetics Tuebingen Variant Classification Criteria Version 2. Collection method: clinical testing. Allele origin: germline. Affected: yes. Observed: 4 variant alleles.
Comment: LPIN2: BS1, BS2

Illumina Laboratory Services, Illumina
Classification: Uncertain significance for Majeed syndrome. Last evaluated: 2018-01-12. Review status: criteria provided, single submitter. Criteria: ICSL Variant Classification Criteria 13 December 2019. Collection method: clinical testing. Allele origin: germline.

Breakthrough Genomics
Classification: Uncertain significance. Review status: criteria provided, single submitter. Criteria: ACMG Guidelines, 2015. Collection method: not provided. Allele origin: germline. Inheritance: Unknown mechanism. Affected: yes.

NM_001375808.2(LPIN2):c.*438C>T

Gene: LPIN2 (lipin 2; minus strand). Cytogenetic location: 18p11.31.
Variant type: single nucleotide variant.
Coding change: c.*438C>T on transcript NM_001375808.2 (MANE Select); 438 bases downstream of the stop codon, C replaced by T.
Molecular consequence: 3 prime UTR variant.
Genome position (GRCh38, 1-based): chr18:2,919,855, G>A on the plus strand (C>T on the coding strand, the complement: LPIN2 is on the minus strand). VCF-style: chr18-2919855-G-A. GRCh37 (hg19) VCF-style: chr18-2919853-G-A.
Other names: c.*438C>T (NM_001375809.1, NM_014646.2).
Identifiers: ClinVar variation 891125 (VCV000891125.29), dbSNP rs150379164, ClinGen allele CA14555318.